The following is an entry in ClinVar:

ClinVar aggregate classification (germline): Uncertain significance. Review status: criteria provided, multiple submitters, no conflicts (2 of 4 stars). 2 submissions from 2 submitters: Uncertain significance (2). Last evaluated 2026-01-19.

Conditions:
Ataxia-telangiectasia syndrome (AT). Also called: Cerebello-oculocutaneous telangiectasia; Immunodeficiency with ataxia telangiectasia; Ataxia-telangiectasia, complementation group E; Ataxia-telangiectasia, complementation group D; AT, COMPLEMENTATION GROUP C; ATAXIA-TELANGIECTASIA, COMPLEMENTATION GROUP A. Identifiers: Orphanet 100, MedGen C0004135, MONDO:0008840, OMIM 208900.
Hereditary cancer-predisposing syndrome. Also called: Hereditary Cancer Syndrome; Neoplastic Syndromes, Hereditary; Hereditary neoplastic syndrome; Tumor predisposition. Identifiers: Orphanet 140162, MedGen C0027672, MeSH D009386, MONDO:0015356.

Allele frequency attached by ClinVar (database versions not stated): gnomAD exomes below 0.00001.
gnomAD v4.1: 4 of 1,614,178 alleles (0.00025%); highest among the groups gnomAD compares: Non-Finnish European, 0.00034%; no homozygotes.

Submissions (2):

Labcorp Genetics (formerly Invitae), Labcorp
Classification: Uncertain significance for Ataxia-telangiectasia syndrome. Last evaluated: 2026-01-19. Review status: criteria provided, single submitter. Criteria: Invitae Variant Classification Sherloc (09022015). Collection method: clinical testing. Allele origin: germline.
Comment: This sequence change replaces phenylalanine, which is neutral and non-polar, with serine, which is neutral and polar, at codon 523 of the ATM protein (p.Phe523Ser). This variant is not present in population databases (gnomAD no frequency). This variant has not been reported in the literature in individuals affected with ATM-related conditions. ClinVar contains an entry for this variant (Variation ID: 819538). Invitae Evidence Modeling of protein sequence and biophysical properties (such as structural, functional, and spatial information, amino acid conservation, physicochemical variation, residue mobility, and thermodynamic stability) indicates that this missense variant is not expected to disrupt ATM protein function with a negative predictive value of 95%. In summary, the available evidence is currently insufficient to determine the role of this variant in disease. Therefore, it has been classified as a Variant of Uncertain Significance.

Ambry Genetics
Classification: Uncertain significance for Hereditary cancer-predisposing syndrome. Last evaluated: 2025-01-02. Review status: criteria provided, single submitter. Criteria: Ambry Variant Classification Scheme 2023. Collection method: clinical testing. Allele origin: germline.
Comment: The p.F523S variant (also known as c.1568T>C), located in coding exon 9 of the ATM gene, results from a T to C substitution at nucleotide position 1568. The phenylalanine at codon 523 is replaced by serine, an amino acid with highly dissimilar properties. This variant was reported in 0/60,466 breast cancer cases and in 1/53,461 controls (Dorling et al. N Engl J Med. 2021 02;384:428-439). This amino acid position is not well conserved in available vertebrate species. In addition, the in silico prediction for this alteration is inconclusive. Based on the available evidence, the clinical significance of this variant remains unclear.

Literature cited by the submitters: PubMed 33471991 (cited by Ambry Genetics).

NM_000051.4(ATM):c.1568T>C (p.Phe523Ser)

Gene: ATM (ATM serine/threonine kinase; plus strand). Cytogenetic location: 11q22.3.
Variant type: single nucleotide variant.
Coding change: c.1568T>C on transcript NM_000051.4 (MANE Select); coding-DNA position 1568, T replaced by C.
Protein change: p.Phe523Ser; replaces phenylalanine 523 with serine.
Molecular consequence: missense variant.
Genome position (GRCh38, 1-based): chr11:108,251,033, T>C. VCF-style: chr11-108251033-T-C. GRCh37 (hg19) VCF-style: chr11-108121760-T-C.
Other names: c.1568T>C, p.Phe523Ser (NM_001351834.2); short protein forms F523S.
Identifiers: ClinVar variation 819538 (VCV000819538.14), dbSNP rs768038315, ClinGen allele CA382534375.